The following is an entry in ClinVar:

NM_004655.4(AXIN2):c.1989G>C (p.Trp663Cys)

Gene: AXIN2 (axin 2; minus strand). Cytogenetic location: 17q24.1.
Variant type: single nucleotide variant.
Coding change: c.1989G>C on transcript NM_004655.4 (MANE Select); coding-DNA position 1989, G replaced by C.
Protein change: p.Trp663Cys; replaces tryptophan 663 with cysteine.
Molecular consequence: missense variant.
Genome position (GRCh38, 1-based): chr17:65,536,472, C>G on the plus strand (G>C on the coding strand, the complement: AXIN2 is on the minus strand). VCF-style: chr17-65536472-C-G. GRCh37 (hg19) VCF-style: chr17-63532590-C-G.
Other names: c.1989G>C (LRG_296t1); c.1794G>C, p.Trp598Cys (NM_001363813.1); short protein forms W663C, W598C.
Identifiers: ClinVar variation 569264 (VCV000569264.9), dbSNP rs730882193, ClinGen allele CA400676202.

ClinVar aggregate classification (germline): Uncertain significance. Review status: criteria provided, multiple submitters, no conflicts (2 of 4 stars). 2 submissions from 2 submitters: Uncertain significance (2). Last evaluated 2026-07-07.

Conditions:
Oligodontia-cancer predisposition syndrome. Also called: TOOTH AGENESIS-COLORECTAL CANCER SYNDROME. Identifiers: Orphanet 300576, MedGen C1837750, MONDO:0012075, OMIM 608615. Disease mechanism: loss of function.
Hereditary cancer-predisposing syndrome. Also called: Hereditary Cancer Syndrome; Tumor predisposition; Hereditary neoplastic syndrome; Neoplastic Syndromes, Hereditary. Identifiers: Orphanet 140162, MedGen C0027672, MeSH D009386, MONDO:0015356.

Allele frequency attached by ClinVar (database versions not stated): gnomAD exomes below 0.00001.
gnomAD v4.1: 1 of 1,613,934 alleles (0.000062%); highest among the groups gnomAD compares: Non-Finnish European, 0.000085%; no homozygotes.

Submissions (2):

Ambry Genetics
Classification: Uncertain significance for Hereditary cancer-predisposing syndrome. Last evaluated: 2026-07-07. Review status: criteria provided, single submitter. Criteria: Ambry Variant Classification Scheme 2023. Collection method: clinical testing. Allele origin: germline.
Comment: The p.W663C variant (also known as c.1989G>C), located in coding exon 7 of the AXIN2 gene, results from a G to C substitution at nucleotide position 1989. The tryptophan at codon 663 is replaced by cysteine, an amino acid with highly dissimilar properties. This amino acid position is conserved. In addition, the in silico prediction for this alteration is inconclusive. Based on the available evidence, the clinical significance of this variant remains unclear.

Labcorp Genetics (formerly Invitae), Labcorp
Classification: Uncertain significance for Oligodontia-cancer predisposition syndrome. Last evaluated: 2018-04-19. Review status: criteria provided, single submitter. Criteria: Invitae Variant Classification Sherloc (09022015). Collection method: clinical testing. Allele origin: germline.
Comment: Algorithms developed to predict the effect of missense changes on protein structure and function do not agree on the potential impact of this missense change (SIFT: "Deleterious"; PolyPhen-2: "Possibly Damaging"; Align-GVGD: "Class C0"). This variant has not been reported in the literature in individuals with AXIN2-related disease. This variant is not present in population databases (ExAC no frequency). This sequence change replaces tryptophan with cysteine at codon 663 of the AXIN2 protein (p.Trp663Cys). The tryptophan residue is moderately conserved and there is a large physicochemical difference between tryptophan and cysteine. In summary, the available evidence is currently insufficient to determine the role of this variant in disease. Therefore, it has been classified as a Variant of Uncertain Significance.